The following is an entry in ClinVar:

NM_021978.4(ST14):c.2406+4G>C

Gene: ST14 (ST14 transmembrane serine protease matriptase; plus strand). Cytogenetic location: 11q24.3.
Variant type: single nucleotide variant.
Coding change: c.2406+4G>C on transcript NM_021978.4 (MANE Select); 4 bases into the intron after coding-DNA position 2406, G replaced by C.
Molecular consequence: intron variant.
Genome position (GRCh38, 1-based): chr11:130,209,582, G>C. VCF-style: chr11-130209582-G-C. GRCh37 (hg19) VCF-style: chr11-130079477-G-C.
Other names: c.2406+4G>C (NM_021978.3).
Identifiers: ClinVar variation 1601291 (VCV001601291.11), dbSNP rs201475787, ClinGen allele CA6364382.

ClinVar aggregate classification (germline): Benign. Review status: criteria provided, multiple submitters, no conflicts (2 of 4 stars). 3 submissions from 3 submitters: Benign (2). 1 of the submissions does not count toward it. Last evaluated 2025-07-30.

Conditions:
ST14-related disorder. Also called: ST14-related condition.

Allele frequency attached by ClinVar (database versions not stated): gnomAD exomes 0.00022 and 0.00057; ExAC 0.00143; TOPMed 0.00285; gnomAD 0.00293 and 0.00314; 1000 Genomes Project 30x 0.00312; 1000 Genomes Project 0.00319.
gnomAD v4.1: 772 of 1,578,734 alleles (0.049%); highest among the groups gnomAD compares: African/African-American, 0.96%; 4 homozygotes.

Submissions (3):

Labcorp Genetics (formerly Invitae), Labcorp
Classification: Benign. Last evaluated: 2025-07-30. Review status: criteria provided, single submitter. Criteria: Invitae Variant Classification Sherloc (09022015). Collection method: clinical testing. Allele origin: germline.

Breakthrough Genomics
Classification: Benign. Review status: criteria provided, single submitter. Criteria: ACMG Guidelines, 2015. Collection method: not provided. Allele origin: germline. Inheritance: Autosomal recessive inheritance. Affected: yes.

PreventionGenetics, part of Exact Sciences
Classification: Benign for ST14-related condition. Last evaluated: 2019-12-12. Review status: no assertion criteria provided. Collection method: clinical testing. Allele origin: germline. Not counted in ClinVar's aggregate classification.
Comment: This variant is classified as benign based on ACMG/AMP sequence variant interpretation guidelines (Richards et al. 2015 PMID: 25741868, with internal and published modifications).